The following is an entry in ClinVar:

NM_000440.3(PDE6A):c.406T>A (p.Leu136Met)

Gene: PDE6A (phosphodiesterase 6A; minus strand). Cytogenetic location: 5q32.
Variant type: single nucleotide variant.
Coding change: c.406T>A on transcript NM_000440.3 (MANE Select); coding-DNA position 406, T replaced by A.
Protein change: p.Leu136Met; replaces leucine 136 with methionine.
Molecular consequence: missense variant.
Genome position (GRCh38, 1-based): chr5:149,944,268, A>T on the plus strand (T>A on the coding strand, the complement: PDE6A is on the minus strand). VCF-style: chr5-149944268-A-T. GRCh37 (hg19) VCF-style: chr5-149323831-A-T.
Other names: short protein forms L136M.
Identifiers: ClinVar variation 1062429 (VCV001062429.9), dbSNP rs375500044, ClinGen allele CA3505060.
Genomic context (GRCh38, chr5:149,944,268, plus strand): 5'-TGTTGGGGACGTTAGCAATCTTCTTAGAGTGTGCGACATGGCCCACGATGCCCATGTCCA[A>T]AGGGAAGACGATCTCTTGGTCGGGCATCACCAGGCAGTCCTCGAGGACAGCATCCTTGTG-3'
Protein context (NP_000431.2, residues 126-146): VMPDQEIVFP[Leu136Met]DMGIVGHVAH

ClinVar aggregate classification (germline): Uncertain significance (1 of 4 stars; one submission).

Allele frequency attached by ClinVar (database versions not stated): gnomAD 0.00001; ESP Exome Variant Server 0.00008.
gnomAD v4.1: 2 of 1,613,880 alleles (0.00012%); highest among the groups gnomAD compares: African/African-American, 0.0027%; no homozygotes.

Submission:

Labcorp Genetics (formerly Invitae), Labcorp
Classification: Uncertain significance. Last evaluated: 2022-02-02. Review status: criteria provided, single submitter. Criteria: Invitae Variant Classification Sherloc (09022015). Collection method: clinical testing. Allele origin: germline.
Comment: In summary, the available evidence is currently insufficient to determine the role of this variant in disease. Therefore, it has been classified as a Variant of Uncertain Significance. Algorithms developed to predict the effect of missense changes on protein structure and function are either unavailable or do not agree on the potential impact of this missense change (SIFT: "Deleterious"; PolyPhen-2: "Probably Damaging"; Align-GVGD: "Class C0"). ClinVar contains an entry for this variant (Variation ID: 1062429). This variant has not been reported in the literature in individuals affected with PDE6A-related conditions. This variant is present in population databases (rs375500044, gnomAD 0.01%). This sequence change replaces leucine, which is neutral and non-polar, with methionine, which is neutral and non-polar, at codon 136 of the PDE6A protein (p.Leu136Met).